The following is an entry in ClinVar:

ClinVar aggregate classification (germline): Pathogenic. Review status: criteria provided, multiple submitters, no conflicts (2 of 4 stars). 2 submissions from 2 submitters: Pathogenic (2). Last evaluated 2023-05-03.

Conditions:
PURA-related severe neonatal hypotonia-seizures-encephalopathy syndrome (NEDRIHF). Also called: NEURODEVELOPMENTAL DISORDER WITH NEONATAL RESPIRATORY INSUFFICIENCY, HYPOTONIA, AND FEEDING DIFFICULTIES; PURA-Related Neurodevelopmental Disorders. Identifiers: Orphanet 438213, Orphanet 438216, MedGen C4015357, MONDO:1060108, OMIM 616158, MONDO:0018580.

Submissions (2):

Labcorp Genetics (formerly Invitae), Labcorp
Classification: Pathogenic for PURA-related severe neonatal hypotonia-seizures-encephalopathy syndrome. Last evaluated: 2023-05-03. Review status: criteria provided, single submitter. Criteria: Invitae Variant Classification Sherloc (09022015). Collection method: clinical testing. Allele origin: germline.
Comment: This sequence change creates a premature translational stop signal (p.Gln59*) in the PURA gene. While this is not anticipated to result in nonsense mediated decay, it is expected to disrupt the last 264 amino acid(s) of the PURA protein. For these reasons, this variant has been classified as Pathogenic. This variant disrupts a region of the PURA protein in which other variant(s) (p.Gln163*, p.Tyr261*, p.Gln186*) have been determined to be pathogenic (PMID: 25439098; Invitae). This suggests that this is a clinically significant region of the protein, and that variants that disrupt it are likely to be disease-causing. ClinVar contains an entry for this variant (Variation ID: 582890). This variant has not been reported in the literature in individuals affected with PURA-related conditions. This variant is not present in population databases (gnomAD no frequency).

Institute for Clinical Genetics, University Hospital TU Dresden, University Hospital TU Dresden
Classification: Pathogenic. Last evaluated: 2021-11-03. Review status: criteria provided, single submitter. Criteria: ACMG Guidelines, 2015. Collection method: clinical testing. Allele origin: germline.

Literature cited by the submitters: PubMed 25439098 (cited by Labcorp Genetics (formerly Invitae), Labcorp).

NM_005859.5(PURA):c.175C>T (p.Gln59Ter)

Gene: PURA (purine rich element binding protein A; plus strand). Cytogenetic location: 5q31.3.
Variant type: single nucleotide variant.
Coding change: c.175C>T on transcript NM_005859.5 (MANE Select); coding-DNA position 175, C replaced by T.
Protein change: p.Gln59Ter; replaces glutamine 59 with a stop codon.
Molecular consequence: nonsense.
Genome position (GRCh38, 1-based): chr5:140,114,356, C>T. VCF-style: chr5-140114356-C-T. GRCh37 (hg19) VCF-style: chr5-139493941-C-T.
Other names: short protein forms Q59*.
Identifiers: ClinVar variation 582890 (VCV000582890.11), dbSNP rs1561793115, ClinGen allele CA361489831.